The following is an entry in ClinVar:

NM_032043.3(BRIP1):c.1628+1G>C

Gene: BRIP1 (BRCA1 interacting DNA helicase 1; minus strand). Cytogenetic location: 17q23.2.
Variant type: single nucleotide variant.
Coding change: c.1628+1G>C on transcript NM_032043.3 (MANE Select); the canonical splice donor site of the intron after coding-DNA position 1628, G replaced by C.
Molecular consequence: splice donor variant.
Genome position (GRCh38, 1-based): chr17:61,784,269, C>G on the plus strand (G>C on the coding strand, the complement: BRIP1 is on the minus strand). VCF-style: chr17-61784269-C-G. GRCh37 (hg19) VCF-style: chr17-59861630-C-G.
Identifiers: ClinVar variation 856512 (VCV000856512.17), dbSNP rs1438975574, ClinGen allele CA400480843.
Genomic context (GRCh38, chr17:61,784,269, plus strand): 5'-TGCTAGCATCCAAATTAGGCTATTTTTAAAAGGAAAATACATACTAGTTATCTTCACTTA[C>G]CTGCTATTTTGCCTAAAAAGATAGTCAAGTACCATAAAAAGTCCTTTAAGCATTATTTGA-3'

ClinVar aggregate classification (germline): Likely pathogenic. Review status: criteria provided, multiple submitters, no conflicts (2 of 4 stars). 5 submissions from 5 submitters: Likely pathogenic (5). Last evaluated 2026-07-13.

Conditions:
Hereditary cancer-predisposing syndrome. Also called: Tumor predisposition; Hereditary neoplastic syndrome; Neoplastic Syndromes, Hereditary; Hereditary Cancer Syndrome. Identifiers: Orphanet 140162, MedGen C0027672, MeSH D009386, MONDO:0015356.
Familial cancer of breast. Also called: Hereditary breast cancer; hereditary breast carcinoma; BREAST CANCER, FAMILIAL. Identifiers: Orphanet 227535, MedGen C0346153, MONDO:0016419, OMIM 114480. Disease mechanism: loss of function.
Fanconi anemia complementation group J. Also called: BRIP1-Related Fanconi Anemia. Identifiers: Orphanet 84, MedGen C1836860, MONDO:0012187, OMIM 609054.

Allele frequency attached by ClinVar (database versions not stated): gnomAD exomes below 0.00001.
gnomAD v4.1: 1 of 1,611,486 alleles (0.000062%); highest among the groups gnomAD compares: Admixed American, 0.0017%; no homozygotes.

Submissions (5):

Ambry Genetics
Classification: Likely pathogenic for Hereditary cancer-predisposing syndrome. Last evaluated: 2026-07-13. Review status: criteria provided, single submitter. Criteria: Ambry Variant Classification Scheme 2023. Collection method: clinical testing. Allele origin: germline.
Comment: The c.1628+1G>C intronic variant results from a G to C substitution one nucleotide after coding exon 10 of the BRIP1 gene. This nucleotide position is highly conserved in available vertebrate species. In silico splice site analysis predicts that this alteration will weaken the native splice donor site; however, direct evidence is insufficient at this time (Ambry internal data). Alterations that disrupt the canonical splice site are expected to cause aberrant splicing, resulting in an abnormal protein or a transcript that is subject to nonsense-mediated mRNA decay. As such, this alteration is classified as likely pathogenic.

Labcorp Genetics (formerly Invitae), Labcorp
Classification: Likely pathogenic for Familial cancer of breast; Fanconi anemia complementation group J. Last evaluated: 2026-01-07. Review status: criteria provided, single submitter. Criteria: Invitae Variant Classification Sherloc (09022015). Collection method: clinical testing. Allele origin: germline.
Comment: This sequence change affects a donor splice site in intron 11 of the BRIP1 gene. RNA analysis indicates that disruption of this splice site induces altered splicing and may result in an absent or altered protein product. This variant is present in population databases (no rsID available, gnomAD 0.003%). This variant has not been reported in the literature in individuals affected with BRIP1-related conditions. ClinVar contains an entry for this variant (Variation ID: 856512). Studies have shown that disruption of this splice site results in skipping of exon 11, and produces a non-functional protein and/or introduces a premature termination codon (internal data). In summary, the currently available evidence indicates that the variant is pathogenic, but additional data are needed to prove that conclusively. Therefore, this variant has been classified as Likely Pathogenic.

Myriad Genetics, Inc.
Classification: Likely pathogenic for Familial cancer of breast. Last evaluated: 2023-06-02. Review status: criteria provided, single submitter. Criteria: Myriad Autosomal Dominant, Autosomal Recessive and X-Linked Classification Criteria (2023). Collection method: clinical testing. Allele origin: unknown.
Comment: This variant is considered likely pathogenic. This variant occurs within a consensus splice junction and is predicted to result in abnormal mRNA splicing of either an out-of-frame exon or an in-frame exon necessary for protein stability and/or normal function.

Baylor Genetics
Classification: Likely pathogenic for Familial cancer of breast. Last evaluated: 2022-06-18. Review status: criteria provided, single submitter. Criteria: ACMG Guidelines, 2015. Collection method: clinical testing. Allele origin: unknown.

Color Diagnostics, LLC DBA Color Health
Classification: Likely pathogenic for Hereditary cancer-predisposing syndrome. Last evaluated: 2020-02-27. Review status: criteria provided, single submitter. Criteria: ACMG Guidelines, 2015. Collection method: clinical testing. Allele origin: germline.
Comment: This variant causes a G to C nucleotide substitution at the +1 position of intron 11 of the BRIP1 gene. Splice site prediction tools predict that this variant may have a significant impact on RNA splicing. Although this prediction has not been confirmed in published RNA studies, this variant is expected to result in an absent or disrupted protein product. To our knowledge, functional studies have not been reported for this variant. This variant has not been reported in individuals affected with hereditary cancer in the literature. This variant has been identified in 1/251148 chromosomes in the general population by the Genome Aggregation Database (gnomAD). Loss of BRIP1 function is a known mechanism of disease. Based on the available evidence, this variant is classified as Likely Pathogenic.